The following is an entry in ClinVar:

ClinVar aggregate classification (germline): Uncertain significance (1 of 4 stars; one submission).

Conditions:
Gastrointestinal stromal tumor. Also called: Gastrointestinal stromal tumor, somatic; Gastrointestinal stroma tumor. Identifiers: Orphanet 44890, MedGen C0238198, MeSH D046152, MONDO:0011719, OMIM 606764, HP:0100723.

gnomAD v4.1: 1 of 1,614,030 alleles (0.000062%); highest among the groups gnomAD compares: Non-Finnish European, 0.000085%; no homozygotes.

Submission:

Labcorp Genetics (formerly Invitae), Labcorp
Classification: Uncertain significance for Gastrointestinal stromal tumor. Last evaluated: 2022-08-19. Review status: criteria provided, single submitter. Criteria: Invitae Variant Classification Sherloc (09022015). Collection method: clinical testing. Allele origin: germline.
Comment: This sequence change creates a premature translational stop signal (p.Arg500*) in the PDGFRA gene. It is expected to result in an absent or disrupted protein product. However, the current clinical and genetic evidence is not sufficient to establish whether loss-of-function variants in PDGFRA cause disease. This variant is not present in population databases (gnomAD no frequency). This variant has not been reported in the literature in individuals affected with PDGFRA-related conditions. ClinVar contains an entry for this variant (Variation ID: 858400). In summary, the available evidence is currently insufficient to determine the role of this variant in disease. Therefore, it has been classified as a Variant of Uncertain Significance.

NM_006206.6(PDGFRA):c.1498C>T (p.Arg500Ter)

Gene: PDGFRA (platelet derived growth factor receptor alpha; plus strand). Cytogenetic location: 4q12.
Variant type: single nucleotide variant.
Coding change: c.1498C>T on transcript NM_006206.6 (MANE Select); coding-DNA position 1498, C replaced by T.
Protein change: p.Arg500Ter; replaces arginine 500 with a stop codon.
Molecular consequence: nonsense.
Genome position (GRCh38, 1-based): chr4:54,273,670, C>T. VCF-style: chr4-54273670-C-T. GRCh37 (hg19) VCF-style: chr4-55139837-C-T.
Other names: c.1498C>T, p.Arg500Ter (NM_001347827.2, NM_001347829.2); c.1573C>T, p.Arg525Ter (NM_001347828.2); c.1537C>T, p.Arg513Ter (NM_001347830.2); short protein forms R500*, R525*, R513*.
Identifiers: ClinVar variation 858400 (VCV000858400.8), dbSNP rs369219442, ClinGen allele CA356892687.